The following is an entry in ClinVar:

NM_000263.4(NAGLU):c.723G>A (p.Val241=)

Gene: NAGLU (N-acetyl-alpha-glucosaminidase; plus strand). Cytogenetic location: 17q21.2.
Variant type: single nucleotide variant.
Coding change: c.723G>A on transcript NM_000263.4 (MANE Select); coding-DNA position 723, G replaced by A.
Protein change: p.Val241=; no amino-acid change (valine 241 retained).
Molecular consequence: synonymous variant.
Genome position (GRCh38, 1-based): chr17:42,538,714, G>A. VCF-style: chr17-42538714-G-A. GRCh37 (hg19) VCF-style: chr17-40690732-G-A.
Identifiers: ClinVar variation 744227 (VCV000744227.46), dbSNP rs140945842, ClinGen allele CA8576836.

ClinVar aggregate classification (germline): Likely benign. Review status: criteria provided, multiple submitters, no conflicts (2 of 4 stars). 4 submissions from 4 submitters: Likely benign (3). 1 of the submissions does not count toward it. Last evaluated 2026-01-14.

Conditions:
Mucopolysaccharidosis, MPS-III-B (MPS3B). Also called: MUCOPOLYSACCHARIDOSIS, TYPE IIIB; Mucopolysaccharidosis type IIIB (Sanfilippo B); MPS III B; MPS IIIB (Sanfilippo Syndrome Type B); N-ACETYL-ALPHA-D-GLUCOSAMINIDASE DEFICIENCY; NAGLU DEFICIENCY. Identifiers: Orphanet 79270, MedGen C0086648, MONDO:0009656, OMIM 252920.
Charcot-Marie-Tooth disease axonal type 2V. Also called: CHARCOT-MARIE-TOOTH NEUROPATHY, TYPE 2V; CHARCOT-MARIE-TOOTH DISEASE, AXONAL, AUTOSOMAL DOMINANT, TYPE 2V. Identifiers: Orphanet 447964, MedGen C5569050, MONDO:0014665, OMIM 616491.

Allele frequency attached by ClinVar (database versions not stated): ExAC 0.00005; gnomAD exomes 0.00006 and 0.00018; gnomAD 0.00010; TOPMed 0.00010; ESP Exome Variant Server 0.00038.

Submissions (4):

Labcorp Genetics (formerly Invitae), Labcorp
Classification: Likely benign for Charcot-Marie-Tooth disease axonal type 2V; Mucopolysaccharidosis, MPS-III-B. Last evaluated: 2026-01-14. Review status: criteria provided, single submitter. Criteria: Invitae Variant Classification Sherloc (09022015). Collection method: clinical testing. Allele origin: germline.

Blueprint Genetics
Classification: Likely benign. Last evaluated: 2024-10-24. Review status: criteria provided, single submitter. Criteria: ACMG Guidelines, 2015. Collection method: clinical testing. Allele origin: germline.

CeGaT Center for Human Genetics Tuebingen
Classification: Likely benign. Last evaluated: 2024-01-01. Review status: criteria provided, single submitter. Criteria: CeGaT Center For Human Genetics Tuebingen Variant Classification Criteria Version 2. Collection method: clinical testing. Allele origin: germline. Affected: yes. Observed: 3 variant alleles.
Comment: NAGLU: BP4, BP7

Natera, Inc.
Classification: Uncertain significance for Mucopolysaccharidosis type IIIB. Last evaluated: 2020-03-10. Review status: no assertion criteria provided. Collection method: clinical testing. Allele origin: germline. Not counted in ClinVar's aggregate classification.